The following is an entry in ClinVar:

ClinVar aggregate classification (germline): Uncertain significance. Review status: criteria provided, multiple submitters, no conflicts (2 of 4 stars). 3 submissions from 3 submitters: Uncertain significance (3). Last evaluated 2026-06-20.

Conditions:
INPP5E-related disorder. Also called: INPP5E-related condition.
Joubert syndrome. Also called: Familial aplasia of the vermis; JOUBERT-BOLTSHAUSER SYNDROME. Identifiers: Orphanet 475, MedGen C5979921, MONDO:0018772.
Joubert syndrome 1 (JBTS1). Also called: Cerebellooculorenal syndrome 1; CEREBELLOPARENCHYMAL DISORDER IV. Identifiers: MedGen C4551568, MONDO:0008944, OMIM 213300.
MORM syndrome (MORMS). Identifiers: Orphanet 75858, MedGen C1857802, MONDO:0012423, OMIM 610156.

Allele frequency attached by ClinVar (database versions not stated): gnomAD 0.00001; TOPMed 0.00001; gnomAD exomes 0.00002; ExAC 0.00020.
gnomAD v4.1: 12 of 1,530,810 alleles (0.00078%); highest among the groups gnomAD compares: South Asian, 0.0036%; no homozygotes.

Submissions (3):

PreventionGenetics, part of Exact Sciences
Classification: Uncertain significance for INPP5E-related condition. Last evaluated: 2026-06-20. Review status: criteria provided, single submitter. Criteria: ACMG Guidelines, 2015. Collection method: clinical testing. Allele origin: germline.
Comment: The INPP5E c.197G>A variant is predicted to result in the amino acid substitution p.Arg66Gln. To our knowledge, this variant has not been reported in the literature. This variant is reported in 0.0091% of alleles in individuals of South Asian descent in gnomAD. At this time, the clinical significance of this variant is uncertain due to the absence of conclusive functional and genetic evidence.

Fulgent Genetics
Classification: Uncertain significance for Joubert syndrome 1; MORM syndrome. Last evaluated: 2024-01-14. Review status: criteria provided, single submitter. Criteria: ACMG Guidelines, 2015. Collection method: clinical testing. Allele origin: germline.

Labcorp Genetics (formerly Invitae), Labcorp
Classification: Uncertain significance for Joubert syndrome. Last evaluated: 2022-01-06. Review status: criteria provided, single submitter. Criteria: Invitae Variant Classification Sherloc (09022015). Collection method: clinical testing. Allele origin: germline.
Comment: In summary, the available evidence is currently insufficient to determine the role of this variant in disease. Therefore, it has been classified as a Variant of Uncertain Significance. Advanced modeling of protein sequence and biophysical properties (such as structural, functional, and spatial information, amino acid conservation, physicochemical variation, residue mobility, and thermodynamic stability) performed at Invitae indicates that this missense variant is not expected to disrupt INPP5E protein function. ClinVar contains an entry for this variant (Variation ID: 568046). This variant has not been reported in the literature in individuals affected with INPP5E-related conditions. This variant is present in population databases (rs778236228, gnomAD 0.009%). This sequence change replaces arginine, which is basic and polar, with glutamine, which is neutral and polar, at codon 66 of the INPP5E protein (p.Arg66Gln).

NM_019892.6(INPP5E):c.197G>A (p.Arg66Gln)

Gene: INPP5E (inositol polyphosphate-5-phosphatase E; minus strand). Cytogenetic location: 9q34.3.
Variant type: single nucleotide variant.
Coding change: c.197G>A on transcript NM_019892.6 (MANE Select); coding-DNA position 197, G replaced by A.
Protein change: p.Arg66Gln; replaces arginine 66 with glutamine.
Molecular consequence: missense variant.
Genome position (GRCh38, 1-based): chr9:136,439,223, C>T on the plus strand (G>A on the coding strand, the complement: INPP5E is on the minus strand). VCF-style: chr9-136439223-C-T. GRCh37 (hg19) VCF-style: chr9-139333675-C-T.
Other names: c.197G>A, p.Arg66Gln (NM_001318502.2); c.197G>A (NM_019892.5); short protein forms R66Q.
Identifiers: ClinVar variation 568046 (VCV000568046.9), dbSNP rs778236228, ClinGen allele CA5337205.
Genomic context (GRCh38, chr9:136,439,223, plus strand): 5'-AGGGACAGGGCTCGCTCCAGTCGAGGCCTGGCGGGGGGCCGCGGGGCGATGGGTGCTGCT[C>T]GGGCTGGCGGGTCCTCGCCGCTGGGCGTGGCCGGAGTGCTGCAGGCAAGCGCGGGGCTCT-3'
Protein context (NP_063945.2, residues 56-76): ATPSGEDPPA[Arg66Gln]AAPIAPRPPA